The following is an entry in ClinVar:

NM_000141.5(FGFR2):c.94A>G (p.Thr32Ala)

Gene: FGFR2 (fibroblast growth factor receptor 2; minus strand). Cytogenetic location: 10q26.13.
Variant type: single nucleotide variant.
Coding change: c.94A>G on transcript NM_000141.5 (MANE Select); coding-DNA position 94, A replaced by G.
Protein change: p.Thr32Ala; replaces threonine 32 with alanine.
Molecular consequence: missense variant. On other transcripts: non-coding transcript variant (1).
Genome position (GRCh38, 1-based): chr10:121,593,724, T>C on the plus strand (A>G on the coding strand, the complement: FGFR2 is on the minus strand). VCF-style: chr10-121593724-T-C. GRCh37 (hg19) VCF-style: chr10-123353238-T-C.
Other names: c.94A>G, p.Thr32Ala (NM_001144918.2, NM_001144919.2, NM_001320658.2 and 7 more transcripts); short protein forms T32A.
Identifiers: ClinVar variation 2732934 (VCV002732934.3), dbSNP rs775194870, ClinGen allele CA5721240.

ClinVar aggregate classification (germline): Uncertain significance (1 of 4 stars; one submission).

Conditions:
FGFR2-related craniosynostosis. Identifiers: MedGen CN231480.

Allele frequency attached by ClinVar (database versions not stated): ExAC 0.00002.
gnomAD v4.1: 40 of 1,614,074 alleles (0.0025%); highest among the groups gnomAD compares: Non-Finnish European, 0.0026%; no homozygotes.

Submission:

Labcorp Genetics (formerly Invitae), Labcorp
Classification: Uncertain significance for FGFR2-related craniosynostosis. Last evaluated: 2023-09-27. Review status: criteria provided, single submitter. Criteria: Invitae Variant Classification Sherloc (09022015). Collection method: clinical testing. Allele origin: germline.
Comment: In summary, the available evidence is currently insufficient to determine the role of this variant in disease. Therefore, it has been classified as a Variant of Uncertain Significance. Advanced modeling of protein sequence and biophysical properties (such as structural, functional, and spatial information, amino acid conservation, physicochemical variation, residue mobility, and thermodynamic stability) has been performed at Invitae for this missense variant, however the output from this modeling did not meet the statistical confidence thresholds required to predict the impact of this variant on FGFR2 protein function. This variant has not been reported in the literature in individuals affected with FGFR2-related conditions. This sequence change replaces threonine, which is neutral and polar, with alanine, which is neutral and non-polar, at codon 32 of the FGFR2 protein (p.Thr32Ala). This variant is present in population databases (rs775194870, gnomAD 0.007%).